The following is an entry in ClinVar:

NM_003151.4(STAT4):c.1414G>A (p.Val472Met)

Gene: STAT4 (signal transducer and activator of transcription 4; minus strand). Cytogenetic location: 2q32.2.
Variant type: single nucleotide variant.
Coding change: c.1414G>A on transcript NM_003151.4 (MANE Select); coding-DNA position 1414, G replaced by A.
Protein change: p.Val472Met; replaces valine 472 with methionine.
Molecular consequence: missense variant.
Genome position (GRCh38, 1-based): chr2:191,039,219, C>T on the plus strand (G>A on the coding strand, the complement: STAT4 is on the minus strand). VCF-style: chr2-191039219-C-T. GRCh37 (hg19) VCF-style: chr2-191903945-C-T.
Other names: c.1414G>A, p.Val472Met (NM_001243835.2); short protein forms V472M.
Identifiers: ClinVar variation 1447120 (VCV001447120.6), dbSNP rs1325742273, ClinGen allele CA349910816.

ClinVar aggregate classification (germline): Uncertain significance (1 of 4 stars; one submission).

gnomAD v4.1: 4 of 1,614,146 alleles (0.00025%); highest among the groups gnomAD compares: South Asian, 0.0011%; no homozygotes.

Submission:

Labcorp Genetics (formerly Invitae), Labcorp
Classification: Uncertain significance. Last evaluated: 2025-07-08. Review status: criteria provided, single submitter. Criteria: Invitae Variant Classification Sherloc (09022015). Collection method: clinical testing. Allele origin: germline.
Comment: This sequence change replaces valine, which is neutral and non-polar, with methionine, which is neutral and non-polar, at codon 472 of the STAT4 protein (p.Val472Met). This variant is not present in population databases (gnomAD no frequency). This variant has not been reported in the literature in individuals affected with STAT4-related conditions. ClinVar contains an entry for this variant (Variation ID: 1447120). An algorithm developed to predict the effect of missense changes on protein structure and function (PolyPhen-2) suggests that this variant is likely to be tolerated. In summary, the available evidence is currently insufficient to determine the role of this variant in disease. Therefore, it has been classified as a Variant of Uncertain Significance.